The following is an entry in ClinVar:

NM_000038.6(APC):c.440dup (p.Asp147fs)

Gene: APC (APC regulator of Wnt signaling pathway; plus strand). Cytogenetic location: 5q22.2.
Variant type: Duplication.
Coding change: c.440dup on transcript NM_000038.6 (MANE Select); coding-DNA position 440, one base duplicated (A; older notation c.440dupA).
Protein change: p.Asp147fs; shifts the reading frame from aspartic acid 147.
Molecular consequence: frameshift variant. On other transcripts: 5 prime UTR variant (1).
Genome position (GRCh38, 1-based): chr5:112,775,646, A duplicated. VCF-style (leftmost placement, unchanged base first): chr5-112775645-G-GA. GRCh37 (hg19) VCF-style: chr5-112111342-G-GA.
Other names: c.440dup, p.Asp147fs (NM_001127510.3, NM_001354895.2, NM_001354896.2 and 2 more transcripts); c.470dup, p.Asp157fs (NM_001127511.3, NM_001354897.2, NM_001354902.2); c.365dup, p.Asp122fs (NM_001354898.2, NM_001354904.2); c.263dup, p.Asp88fs (NM_001354900.2, NM_001354901.2, NM_001354905.2); c.-596dup (NM_001354906.2); short protein forms D147fs, D88fs, D122fs, D157fs.
Identifiers: ClinVar variation 1447869 (VCV001447869.6), dbSNP rs2149614665, ClinGen allele CA2573138627.

ClinVar aggregate classification (germline): Pathogenic. Review status: criteria provided, multiple submitters, no conflicts (2 of 4 stars). 2 submissions from 2 submitters: Pathogenic (2). Last evaluated 2023-04-25.

Conditions:
Familial adenomatous polyposis 1 (FAP1). Also called: FAMILIAL ADENOMATOUS POLYPOSIS 1, ATTENUATED; POLYPOSIS, ADENOMATOUS INTESTINAL. Identifiers: MedGen C2713442, MONDO:0021056, OMIM 175100. Disease mechanism: loss of function.

Submissions (2):

Myriad Genetics, Inc.
Classification: Pathogenic for Familial adenomatous polyposis 1. Last evaluated: 2023-04-25. Review status: criteria provided, single submitter. Criteria: Myriad Autosomal Dominant, Autosomal Recessive and X-Linked Classification Criteria (2023). Collection method: clinical testing. Allele origin: unknown.
Comment: This variant is considered pathogenic. This variant creates a frameshift predicted to result in premature protein truncation.

Labcorp Genetics (formerly Invitae), Labcorp
Classification: Pathogenic for Familial adenomatous polyposis 1. Last evaluated: 2021-11-02. Review status: criteria provided, single submitter. Criteria: Invitae Variant Classification Sherloc (09022015). Collection method: clinical testing. Allele origin: germline.
Comment: For these reasons, this variant has been classified as Pathogenic. This variant has not been reported in the literature in individuals affected with APC-related conditions. This variant is not present in population databases (gnomAD no frequency). This sequence change creates a premature translational stop signal (p.Asp147Glufs*3) in the APC gene. It is expected to result in an absent or disrupted protein product. Loss-of-function variants in APC are known to be pathogenic (PMID: 17963004, 20685668).

Literature cited by the submitters: PubMed 17963004 (cited by Labcorp Genetics (formerly Invitae), Labcorp); PubMed 20685668 (cited by Labcorp Genetics (formerly Invitae), Labcorp).